The following is an entry in ClinVar:

NM_020975.6(RET):c.901G>A (p.Ala301Thr)

Gene: RET (ret proto-oncogene; plus strand). Cytogenetic location: 10q11.21.
Variant type: single nucleotide variant.
Coding change: c.901G>A on transcript NM_020975.6 (MANE Select); coding-DNA position 901, G replaced by A.
Protein change: p.Ala301Thr; replaces alanine 301 with threonine.
Molecular consequence: missense variant. On other transcripts: intron variant (25).
Genome position (GRCh38, 1-based): chr10:43,106,409, G>A. VCF-style: chr10-43106409-G-A. GRCh37 (hg19) VCF-style: chr10-43601857-G-A.
Other names: c.139G>A, p.Ala47Thr (NM_001355216.2); c.901G>A, p.Ala301Thr (NM_001406743.1, NM_001406744.1, NM_001406759.1 and 4 more transcripts); c.772G>A, p.Ala258Thr (NM_001406761.1, NM_001406762.1, NM_001406764.1 and 1 more transcripts); c.613G>A, p.Ala205Thr (NM_001406766.1, NM_001406767.1, NM_001406770.1); c.867+1216G>A (NM_001406772.1, NM_001406769.1); c.626-2622G>A (NM_001406773.1, NM_001406771.1); c.625+3780G>A (NM_001406782.1, NM_001406780.1, NM_001406779.1 and 3 more transcripts); c.738+1216G>A (NM_001406774.1); and 5 more; short protein forms A301T, A47T, A258T, A205T.
Identifiers: ClinVar variation 5028149 (VCV005028149.1).

ClinVar aggregate classification (germline): Uncertain significance (1 of 4 stars; one submission).

Conditions:
Hereditary cancer-predisposing syndrome. Also called: Neoplastic Syndromes, Hereditary; Tumor predisposition; Hereditary neoplastic syndrome; Hereditary Cancer Syndrome. Identifiers: Orphanet 140162, MedGen C0027672, MeSH D009386, MONDO:0015356.

gnomAD v4.1: 5 of 1,612,986 alleles (0.00031%); highest among the groups gnomAD compares: South Asian, 0.0022%; no homozygotes.

Submission:

Ambry Genetics
Classification: Uncertain significance for Hereditary cancer-predisposing syndrome. Last evaluated: 2026-09-11. Review status: criteria provided, single submitter. Criteria: Ambry Variant Classification Scheme 2023. Collection method: clinical testing. Allele origin: germline.
Comment: The p.A301T variant (also known as c.901G>A), located in coding exon 5 of the RET gene, results from a G to A substitution at nucleotide position 901. The alanine at codon 301 is replaced by threonine, an amino acid with similar properties. This amino acid position is well conserved in available vertebrate species. In addition, the in silico prediction for this alteration is inconclusive. Based on the available evidence, the clinical significance of this variant remains unclear.